The following is an entry in ClinVar:

NM_001161352.2(KCNMA1):c.59G>A (p.Gly20Asp)

Gene: KCNMA1 (potassium calcium-activated channel subfamily M alpha 1; minus strand). Cytogenetic location: 10q22.3.
Variant type: single nucleotide variant.
Coding change: c.59G>A on transcript NM_001161352.2 (MANE Select); coding-DNA position 59, G replaced by A.
Protein change: p.Gly20Asp; replaces glycine 20 with aspartic acid.
Molecular consequence: missense variant.
Genome position (GRCh38, 1-based): chr10:77,637,584, C>T on the plus strand (G>A on the coding strand, the complement: KCNMA1 is on the minus strand). VCF-style: chr10-77637584-C-T. GRCh37 (hg19) VCF-style: chr10-79397342-C-T.
Other names: c.59G>A, p.Gly20Asp (NM_001014797.3, NM_001161353.2, NM_001271518.2 and 12 more transcripts); short protein forms G20D.
Identifiers: ClinVar variation 999254 (VCV000999254.30), dbSNP rs888320237, ClinGen allele CA210159560.

ClinVar aggregate classification (germline): Uncertain significance. Review status: criteria provided, multiple submitters, no conflicts (2 of 4 stars). 2 submissions from 2 submitters: Uncertain significance (2). Last evaluated 2024-11-26.

Conditions:
Generalized epilepsy-paroxysmal dyskinesia syndrome (PNKD3). Also called: Generalized epilepsy and paroxysmal dyskinesia; Paroxysmal nonkinesigenic dyskinesia, 3, with or without generalized epilepsy. Identifiers: Orphanet 79137, MedGen C5574945, MONDO:0012276, OMIM 609446.

Allele frequency attached by ClinVar (database versions not stated): gnomAD exomes 0.00001; gnomAD 0.00001; TOPMed below 0.00001.
gnomAD v4.1: 18 of 1,532,254 alleles (0.0012%); highest among the groups gnomAD compares: Middle Eastern, 0.053%; no homozygotes.

Submissions (2):

Labcorp Genetics (formerly Invitae), Labcorp
Classification: Uncertain significance for Generalized epilepsy-paroxysmal dyskinesia syndrome. Last evaluated: 2024-11-26. Review status: criteria provided, single submitter. Criteria: Invitae Variant Classification Sherloc (09022015). Collection method: clinical testing. Allele origin: germline.
Comment: This sequence change replaces glycine, which is neutral and non-polar, with aspartic acid, which is acidic and polar, at codon 20 of the KCNMA1 protein (p.Gly20Asp). The frequency data for this variant in the population databases is considered unreliable, as metrics indicate poor data quality at this position in the gnomAD database. This missense change has been observed in individual(s) with autosomal dominant KCNMA1-related disorders (PMID: 34224328). In at least one individual the variant was observed to be de novo. ClinVar contains an entry for this variant (Variation ID: 999254). Experimental studies and prediction algorithms are not available or were not evaluated, and the functional significance of this variant is currently unknown. In summary, the available evidence is currently insufficient to determine the role of this variant in disease. Therefore, it has been classified as a Variant of Uncertain Significance.

CeGaT Center for Human Genetics Tuebingen
Classification: Uncertain significance. Last evaluated: 2023-11-01. Review status: criteria provided, single submitter. Criteria: CeGaT Center For Human Genetics Tuebingen Variant Classification Criteria Version 2. Collection method: clinical testing. Allele origin: germline. Affected: yes. Observed: 1 variant allele.
Comment: KCNMA1: PP2, PS2:Supporting, PS4:Supporting

Literature cited by the submitters: PubMed 34224328 (cited by Labcorp Genetics (formerly Invitae), Labcorp).